The following is an entry in ClinVar:

ClinVar aggregate classification (germline): Uncertain significance. Review status: criteria provided, multiple submitters, no conflicts (2 of 4 stars). 2 submissions from 2 submitters: Uncertain significance (2). Last evaluated 2024-01-26.

Conditions:
Cardiomyopathy (CMYO). Also called: Cardiomyopathies. Identifiers: Orphanet 167848, MedGen C0878544, MONDO:0004994, HP:0001638. Inheritance: Various modes of inheritance.

Allele frequency attached by ClinVar (database versions not stated): gnomAD exomes below 0.00001; TOPMed below 0.00001; ExAC 0.00001.
gnomAD v4.1: 3 of 1,613,988 alleles (0.00019%); highest among the groups gnomAD compares: Non-Finnish European, 0.00025%; no homozygotes.

Submissions (2):

Color Diagnostics, LLC DBA Color Health
Classification: Uncertain significance for Cardiomyopathy. Last evaluated: 2024-01-26. Review status: criteria provided, single submitter. Criteria: ACMG Guidelines, 2015. Collection method: clinical testing. Allele origin: germline.
Comment: This missense variant replaces aspartic acid with glycine at codon 179 of the DSC2 protein. Computational prediction suggests that this variant may not impact protein structure and function (internally defined REVEL score threshold <= 0.5, PMID: 27666373). A functional study has shown that the variant protein correctly colocalizes at the cell membrane with endogenous desmoglein in a transfected desmosome-forming cell line, indicating this variant has no impact on desmosome assembly (PMID: 20197793). In a study of Italian families affected with arrhythmogenic cardiomyopathy, this variant has been reported in homozygous state in 5 individuals from 4 unrelated families, who were affected with severe forms of biventricular arrhythmogenic cardiomyopathy without hair or skin abnormalities (PMID: 26310507). This variant has also been observed in heterozygous state in 17 family members, including 16 unaffected and 1 affected individual with mild arrhythmogenic cardiomyopathy (PMID: 26310507). In the same study, this variant was observed in 4 heterozygous individuals out of 113 healthy subjects from the same region. This variant has been identified in 1/251336 chromosomes in the general population by the Genome Aggregation Database (gnomAD). The available evidence is insufficient to determine the role of this variant in autosomal dominant cardiomyopathy conclusively. Therefore, this variant is classified as a Variant of Uncertain Significance.

GeneDx
Classification: Uncertain significance. Last evaluated: 2014-03-26. Review status: criteria provided, single submitter. Criteria: GeneDx Variant Classification (06012015). Collection method: clinical testing. Allele origin: germline. Affected: yes.
Comment: p.Asp179Gly (GAC>GGC): c.536 A>G in exon 5 of the DSC2 gene (NM_024422.3) A variant of unknown significance has been identified in the DSC2 gene. De Bortoli et al. (2010) screened 112 unrelated Italian ARVC patients and 200 unrelated healthy controls, and reported the D179G variant as a polymorphism with a minor allele frequency of 2.7%. However, the D179G variant was not observed in approximately 6,500 individuals of European and African American ancestry in the NHLBI Exome Sequencing Project, indicating it is not a common benign variant in these populations. Functional studies in vitro showed that D179G did not affect subcellular localization of desmocollin-2 or its interaction with other desmosomal proteins (De Bortoli et al. 2010). The D179G variant is a non-conservative amino acid substitution, which is likely to impact secondary protein structure as these residues differ in polarity, charge, size and/or other properties. This substitution occurs at a position that is class-conserved across species. In silico analysis predicts this variant is probably damaging to the protein structure/function. No nearby missense mutations have been reported suggesting that this region of the protein may tolerate change. Therefore, based on the currently available information, it is unclear whether this variant is a pathogenic mutation or a rare benign variant. The variant is found in ARRHYTHMIA panel(s).

Literature cited by the submitters: PubMed 20197793 (cited by Color Diagnostics, LLC DBA Color Health); PubMed 26310507 (cited by Color Diagnostics, LLC DBA Color Health); PubMed 29038103 (cited by Color Diagnostics, LLC DBA Color Health).

NM_024422.6(DSC2):c.536A>G (p.Asp179Gly)

Gene: DSC2 (desmocollin 2; minus strand). Cytogenetic location: 18q12.1.
Variant type: single nucleotide variant.
Coding change: c.536A>G on transcript NM_024422.6 (MANE Select); coding-DNA position 536, A replaced by G.
Protein change: p.Asp179Gly; replaces aspartic acid 179 with glycine.
Molecular consequence: missense variant.
Genome position (GRCh38, 1-based): chr18:31,089,533, T>C on the plus strand (A>G on the coding strand, the complement: DSC2 is on the minus strand). VCF-style: chr18-31089533-T-C. GRCh37 (hg19) VCF-style: chr18-28669496-T-C.
Other names: p.D179G:GAC>GGC; c.536A>G, p.Asp179Gly (NM_004949.5); short protein forms D179G.
Identifiers: ClinVar variation 199761 (VCV000199761.3), dbSNP rs760185784, ClinGen allele CA022861.